The following is an entry in ClinVar:

NM_000238.4(KCNH2):c.383A>G (p.Asn128Ser)

Gene: KCNH2 (potassium voltage-gated channel subfamily H member 2; minus strand). Cytogenetic location: 7q36.1.
Variant type: single nucleotide variant.
Coding change: c.383A>G on transcript NM_000238.4 (MANE Select); coding-DNA position 383, A replaced by G.
Protein change: p.Asn128Ser; replaces asparagine 128 with serine.
Molecular consequence: missense variant.
Genome position (GRCh38, 1-based): chr7:150,959,661, T>C on the plus strand (A>G on the coding strand, the complement: KCNH2 is on the minus strand). VCF-style: chr7-150959661-T-C. GRCh37 (hg19) VCF-style: chr7-150656749-T-C.
Other names: c.95A>G, p.Asn32Ser (NM_001406753.1, NM_001406756.1); c.206A>G, p.Asn69Ser (NM_001406755.1); c.83A>G, p.Asn28Ser (NM_001406757.1); c.383A>G, p.Asn128Ser (NM_172056.3); short protein forms N128S, N28S, N69S, N32S.
Identifiers: ClinVar variation 191473 (VCV000191473.12), dbSNP rs200343670, ClinGen allele CA008400.

ClinVar aggregate classification (germline): Uncertain significance. Review status: criteria provided, multiple submitters, no conflicts (2 of 4 stars). 5 submissions from 5 submitters: Uncertain significance (5). Last evaluated 2025-10-26.

Conditions:
Cardiovascular phenotype. Identifiers: MedGen CN230736.
Cardiac arrhythmia. Also called: Cardiac rhythm disease; Arrhythmia. Identifiers: MedGen C0003811, MONDO:0007263, HP:0011675.
Long QT syndrome (LQTS). Identifiers: MedGen C0023976, MeSH D008133, MONDO:0002442. Disease mechanism: loss of function. Inheritance: Various modes of inheritance.

Allele frequency attached by ClinVar (database versions not stated): gnomAD exomes 0.00001 and 0.00002; ExAC 0.00002; gnomAD 0.00002 and 0.00003; TOPMed 0.00003.
gnomAD v4.1: 27 of 1,613,958 alleles (0.0017%); highest among the groups gnomAD compares: African/African-American, 0.0053%; no homozygotes.

Submissions (5):

Labcorp Genetics (formerly Invitae), Labcorp
Classification: Uncertain significance for Long QT syndrome. Last evaluated: 2025-10-26. Review status: criteria provided, single submitter. Criteria: Invitae Variant Classification Sherloc (09022015). Collection method: clinical testing. Allele origin: germline.
Comment: This sequence change replaces asparagine, which is neutral and polar, with serine, which is neutral and polar, at codon 128 of the KCNH2 protein (p.Asn128Ser). This variant is present in population databases (rs200343670, gnomAD 0.007%). This variant has not been reported in the literature in individuals affected with KCNH2-related conditions. ClinVar contains an entry for this variant (Variation ID: 191473). An algorithm developed to predict the effect of missense changes on protein structure and function (PolyPhen-2) suggests that this variant is likely to be tolerated. In summary, the available evidence is currently insufficient to determine the role of this variant in disease. Therefore, it has been classified as a Variant of Uncertain Significance.

All of Us Research Program, National Institutes of Health
Classification: Uncertain significance for Long QT syndrome. Last evaluated: 2024-03-24. Review status: criteria provided, single submitter. Criteria: ACMG Guidelines, 2015. Collection method: clinical testing. Allele origin: germline. Inheritance: Autosomal dominant inheritance. Observed: 4 variant alleles, 4 heterozygotes.
Comment: This missense variant replaces asparagine with serine at codon 128 of the KCNH2 protein. Computational prediction suggests that this variant may not impact protein structure and function (internally defined REVEL score threshold <= 0.5, PMID: 27666373). Splice site prediction tools suggest that this variant may impact RNA splicing. To our knowledge, functional studies have not been reported for this variant. This variant has not been reported in individuals affected with cardiovascular disorders in the literature. This variant has been identified in 2/251450 chromosomes in the general population by the Genome Aggregation Database (gnomAD). The available evidence is insufficient to determine the role of this variant in disease conclusively. Therefore, this variant is classified as a Variant of Uncertain Significance.

This study involves interpretation of variants in research participants for the purpose of population health screening. Participant phenotype was not available at the time of variant classification. Additional details can be found in publication PMID: 35346344, PMCID: PMC8962531

Color Diagnostics, LLC DBA Color Health
Classification: Uncertain significance for Cardiac arrhythmia. Last evaluated: 2024-02-14. Review status: criteria provided, single submitter. Criteria: ACMG Guidelines, 2015. Collection method: clinical testing. Allele origin: germline.
Comment: This missense variant replaces asparagine with serine at codon 128 of the KCNH2 protein. Computational prediction suggests that this variant may not impact protein structure and function (internally defined REVEL score threshold <= 0.5, PMID: 27666373). To our knowledge, functional studies have not been reported for this variant. This variant has not been reported in individuals affected with KCNH2-related disorders in the literature. This variant has been identified in 2/251450 chromosomes in the general population by the Genome Aggregation Database (gnomAD). The available evidence is insufficient to determine the role of this variant in disease conclusively. Therefore, this variant is classified as a Variant of Uncertain Significance.

Ambry Genetics
Classification: Uncertain significance for Cardiovascular phenotype. Last evaluated: 2023-06-28. Review status: criteria provided, single submitter. Criteria: Ambry Variant Classification Scheme 2023. Collection method: clinical testing. Allele origin: germline.
Comment: The p.N128S variant (also known as c.383A>G), located in coding exon 3 of the KCNH2 gene, results from an A to G substitution at nucleotide position 383. The asparagine at codon 128 is replaced by serine, an amino acid with highly similar properties. This amino acid position is well conserved in available vertebrate species. In addition, the in silico prediction for this alteration is inconclusive. Since supporting evidence is limited at this time, the clinical significance of this alteration remains unclear.

Biesecker Lab/Clinical Genomics Section, National Institutes of Health
Classification: Uncertain significance. Last evaluated: 2013-06-24. Review status: criteria provided, single submitter. Criteria: Ng et al. (Circ Cardiovasc Genet. 2013). Collection method: research. Allele origin: unknown. Observed: 1 variant allele. Study: ClinSeq.
Comment: The study set was not selected for affection status in relation to any cancer. Pathogenicity categories were based on literature curation. See Pubmed ID:23861362 for details.

Medical sequencing

Literature cited by the submitters: PubMed 23861362 (cited by Ambry Genetics); PubMed 31696929 (cited by Ambry Genetics).